The following is an entry in ClinVar:

ClinVar aggregate classification (germline): Pathogenic (1 of 4 stars; one submission).

Conditions:
Joubert syndrome 6 (JBTS6). Identifiers: Orphanet 475, MedGen C1853153, MONDO:0012539, OMIM 610688.

Submission:

Women's Health and Genetics/Laboratory Corporation of America, LabCorp
Classification: Pathogenic for Joubert syndrome 6. Last evaluated: 2023-07-21. Review status: criteria provided, single submitter. Criteria: LabCorp Variant Classification Summary - May 2015. Collection method: clinical testing. Allele origin: germline.
Comment: Variant summary: TMEM67 c.2153_2154delGA (p.Arg718LysfsX4) results in a premature termination codon, predicted to cause an absence of the protein due to nonsense mediated decay, which is a commonly known mechanism for disease (example, PMID: 20232449). The variant was absent in 251328 control chromosomes. To our knowledge, no occurrence of c.2153_2154delGA in individuals affected with Joubert Syndrome 6 and no experimental evidence demonstrating its impact on protein function have been reported. No submitters have cited clinical-significance assessments for this variant to ClinVar after 2014. Based on the evidence outlined above, the variant was classified as pathogenic.

NM_153704.6(TMEM67):c.2153_2154del (p.Arg718fs)

Gene: TMEM67 (transmembrane protein 67; plus strand). Cytogenetic location: 8q22.1.
Variant type: Deletion.
Coding change: c.2153_2154del on transcript NM_153704.6 (MANE Select); coding-DNA positions 2153 to 2154, 2 bases deleted (GA; older notation c.2153_2154delGA).
Protein change: p.Arg718fs; shifts the reading frame from arginine 718.
Molecular consequence: frameshift variant. On other transcripts: non-coding transcript variant (1).
Genome position (GRCh38, 1-based): chr8:93,799,670-93,799,671, GA deleted; deleting any 2 consecutive bases within chr8:93,799,669-93,799,671 gives the same sequence; the c. name uses the placement nearest the transcript's 3' end. VCF-style (leftmost placement, unchanged base first): chr8-93799668-TAG-T. GRCh37 (hg19) VCF-style: chr8-94811896-TAG-T.
Other names: c.1910_1911del, p.Arg637fs (NM_001142301.1); short protein forms R637fs, R718fs.
Identifiers: ClinVar variation 2577197 (VCV002577197.1), dbSNP rs2536912345, ClinGen allele CA2580617197.
Genomic context (GRCh38, chr8:93,799,668, plus strand): 5'-TTTACTCCAGGTTGTGGGATTCAAGAACTTAGCATTAATGGACTCATCTTCTAGTCTTTC[TAG>T]AAACCCACCTAGCTACATAGCTCCTTATAGCTGCATTTTGAGATATGCAGTGTCTGCTGC-3'